The following is an entry in ClinVar:

NM_020975.6(RET):c.1558G>T (p.Ala520Ser)

Gene: RET (ret proto-oncogene; plus strand). Cytogenetic location: 10q11.21.
Variant type: single nucleotide variant.
Coding change: c.1558G>T on transcript NM_020975.6 (MANE Select); coding-DNA position 1558, G replaced by T.
Protein change: p.Ala520Ser; replaces alanine 520 with serine.
Molecular consequence: missense variant.
Genome position (GRCh38, 1-based): chr10:43,112,134, G>T. VCF-style: chr10-43112134-G-T. GRCh37 (hg19) VCF-style: chr10-43607582-G-T.
Other names: c.796G>T, p.Ala266Ser (NM_001355216.2); c.1558G>T, p.Ala520Ser (NM_001406743.1, NM_001406744.1, NM_001406759.1 and 4 more transcripts); c.1429G>T, p.Ala477Ser (NM_001406761.1, NM_001406762.1, NM_001406764.1 and 1 more transcripts); c.1270G>T, p.Ala424Ser (NM_001406766.1, NM_001406767.1, NM_001406770.1); c.1162G>T, p.Ala388Ser (NM_001406769.1, NM_001406772.1); c.1120G>T, p.Ala374Ser (NM_001406771.1, NM_001406773.1); c.661G>T, p.Ala221Ser (NM_001406782.1, NM_001406785.1, NM_001406787.1 and 3 more transcripts); c.532G>T, p.Ala178Ser (NM_001406783.1, NM_001406786.1); and 5 more; short protein forms A125S, A266S, A424S, A520S, A178S, A278S, A345S, A374S.
Identifiers: ClinVar variation 3313724 (VCV003313724.1).

ClinVar aggregate classification (germline): Uncertain significance (1 of 4 stars; one submission).

Conditions:
Hereditary cancer-predisposing syndrome. Also called: Neoplastic Syndromes, Hereditary; Tumor predisposition; Hereditary neoplastic syndrome; Hereditary Cancer Syndrome. Identifiers: Orphanet 140162, MedGen C0027672, MeSH D009386, MONDO:0015356.

Submission:

Ambry Genetics
Classification: Uncertain significance for Hereditary cancer-predisposing syndrome. Last evaluated: 2024-04-22. Review status: criteria provided, single submitter. Criteria: Ambry Variant Classification Scheme 2023. Collection method: clinical testing. Allele origin: germline.
Comment: The p.A520S variant (also known as c.1558G>T), located in coding exon 8 of the RET gene, results from a G to T substitution at nucleotide position 1558. The alanine at codon 520 is replaced by serine, an amino acid with similar properties. This amino acid position is conserved. In addition, the in silico prediction for this alteration is inconclusive. Based on the available evidence, the clinical significance of this variant remains unclear.